The following is an entry in ClinVar:

ClinVar aggregate classification (germline): Uncertain significance (1 of 4 stars; one submission).

Submission:

GeneDx
Classification: Uncertain significance. Last evaluated: 2023-01-05. Review status: criteria provided, single submitter. Criteria: GeneDx Variant Classification Process June 2021. Collection method: clinical testing. Allele origin: germline. Affected: yes.
Comment: Not observed at significant frequency in large population cohorts (gnomAD); In silico analysis supports that this missense variant has a deleterious effect on protein structure/function; Has not been previously published as pathogenic or benign to our knowledge

NM_005271.5(GLUD1):c.497C>T (p.Ser166Phe)

Gene: GLUD1 (glutamate dehydrogenase 1; minus strand). Cytogenetic location: 10q23.2.
Variant type: single nucleotide variant.
Coding change: c.497C>T on transcript NM_005271.5 (MANE Select); coding-DNA position 497, C replaced by T.
Protein change: p.Ser166Phe; replaces serine 166 with phenylalanine.
Molecular consequence: missense variant. On other transcripts: 5 prime UTR variant (5).
Genome position (GRCh38, 1-based): chr10:87,076,605, G>A on the plus strand (C>T on the coding strand, the complement: GLUD1 is on the minus strand). VCF-style: chr10-87076605-G-A. GRCh37 (hg19) VCF-style: chr10-88836362-G-A.
Other names: c.98C>T, p.Ser33Phe (NM_001318900.1); c.-5C>T (NM_001318901.1, NM_001318902.1, NM_001318904.2 and 2 more transcripts); short protein forms S166F, S33F.
Identifiers: ClinVar variation 2571862 (VCV002571862.1), dbSNP rs2539865818, ClinGen allele CA377474553.